The following is an entry in ClinVar:

NM_000181.4(GUSB):c.22G>A (p.Ala8Thr)

Gene: GUSB (glucuronidase beta; minus strand). Cytogenetic location: 7q11.21.
Variant type: single nucleotide variant.
Coding change: c.22G>A on transcript NM_000181.4 (MANE Select); coding-DNA position 22, G replaced by A.
Protein change: p.Ala8Thr; replaces alanine 8 with threonine.
Molecular consequence: missense variant. On other transcripts: 5 prime UTR variant (2), non-coding transcript variant (1).
Genome position (GRCh38, 1-based): chr7:65,982,162, C>T on the plus strand (G>A on the coding strand, the complement: GUSB is on the minus strand). VCF-style: chr7-65982162-C-T. GRCh37 (hg19) VCF-style: chr7-65447149-C-T.
Other names: p.Ala8Thr; c.22G>A, p.Ala8Thr (NM_001284290.2); c.-364G>A (NM_001293104.2); c.-308G>A (NM_001293105.2); short protein forms A8T.
Identifiers: ClinVar variation 2682974 (VCV002682974.1), dbSNP rs376505707, ClinGen allele CA367655731.

ClinVar aggregate classification (germline): Uncertain significance (1 of 4 stars; one submission).

gnomAD v4.1: 14 of 1,519,078 alleles (0.00092%); highest among the groups gnomAD compares: Admixed American, 0.004%; no homozygotes.

Submission:

Mayo Clinic Laboratories, Mayo Clinic
Classification: Uncertain significance. Last evaluated: 2022-07-21. Review status: criteria provided, single submitter. Criteria: ACMG Guidelines, 2015. Collection method: clinical testing. Allele origin: germline. Observed: 1 variant allele.
Comment: BP4, PM2